The following is an entry in ClinVar:

NM_014989.7(RIMS1):c.3308+6A>C

Gene: RIMS1 (regulating synaptic membrane exocytosis 1; plus strand). Cytogenetic location: 6q13.
Variant type: single nucleotide variant.
Coding change: c.3308+6A>C on transcript NM_014989.7 (MANE Select); 6 bases into the intron after coding-DNA position 3308, A replaced by C.
Molecular consequence: intron variant.
Genome position (GRCh38, 1-based): chr6:72,265,509, A>C. VCF-style: chr6-72265509-A-C. GRCh37 (hg19) VCF-style: chr6-72975212-A-C.
Other names: c.1470-451A>C (NM_001350428.2, NM_001350459.2, NM_001350424.2 and 1 more transcripts); c.1467-451A>C (NM_001350437.2, NM_001350430.2, NM_001350421.2 and 1 more transcripts); c.1617-451A>C (NM_001350458.2); c.1539-451A>C (NM_001350433.2, NM_001350446.2, NM_001350442.2 and 8 more transcripts); c.1538+4742A>C (NM_001350431.2); c.1476-451A>C (NM_001350457.2); c.1475+6398A>C (NM_001350460.2, NM_001350426.2, NM_001350429.2 and 1 more transcripts); c.1727+6A>C (NM_001350436.2); and 14 more.
Identifiers: ClinVar variation 2125630 (VCV002125630.4), dbSNP rs2552141981, ClinGen allele CA2580075736.

ClinVar aggregate classification (germline): Uncertain significance (1 of 4 stars; one submission).

Submission:

Labcorp Genetics (formerly Invitae), Labcorp
Classification: Uncertain significance. Last evaluated: 2022-04-12. Review status: criteria provided, single submitter. Criteria: Invitae Variant Classification Sherloc (09022015). Collection method: clinical testing. Allele origin: germline.
Comment: This sequence change falls in intron 21 of the RIMS1 gene. It does not directly change the encoded amino acid sequence of the RIMS1 protein. It affects a nucleotide within the consensus splice site. This variant is not present in population databases (gnomAD no frequency). This variant has not been reported in the literature in individuals affected with RIMS1-related conditions. Variants that disrupt the consensus splice site are a relatively common cause of aberrant splicing (PMID: 17576681, 9536098). Algorithms developed to predict the effect of sequence changes on RNA splicing suggest that this variant is not likely to affect RNA splicing. In summary, the available evidence is currently insufficient to determine the role of this variant in disease. Therefore, it has been classified as a Variant of Uncertain Significance.

Literature cited by the submitters: PubMed 17576681; PubMed 9536098.